The following is an entry in ClinVar:

NM_021926.4(ALX4):c.292C>A (p.Gln98Lys)

Gene: ALX4 (ALX homeobox 4; minus strand). Cytogenetic location: 11p11.2.
Variant type: single nucleotide variant.
Coding change: c.292C>A on transcript NM_021926.4 (MANE Select); coding-DNA position 292, C replaced by A.
Protein change: p.Gln98Lys; replaces glutamine 98 with lysine.
Molecular consequence: missense variant.
Genome position (GRCh38, 1-based): chr11:44,309,771, G>T on the plus strand (C>A on the coding strand, the complement: ALX4 is on the minus strand). VCF-style: chr11-44309771-G-T. GRCh37 (hg19) VCF-style: chr11-44331321-G-T.
Other names: short protein forms Q98K.
Identifiers: ClinVar variation 3292208 (VCV003292208.2).

ClinVar aggregate classification (germline): Uncertain significance. Review status: criteria provided, multiple submitters, no conflicts (2 of 4 stars). 2 submissions from 2 submitters: Uncertain significance (2). Last evaluated 2025-09-02.

Conditions:
Inborn genetic diseases. Identifiers: MedGen C0950123, MeSH D030342.

gnomAD v4.1: 45 of 1,546,508 alleles (0.0029%); highest among the groups gnomAD compares: Middle Eastern, 0.039%; no homozygotes.

Submissions (2):

Labcorp Genetics (formerly Invitae), Labcorp
Classification: Uncertain significance. Last evaluated: 2025-09-02. Review status: criteria provided, single submitter. Criteria: Invitae Variant Classification Sherloc (09022015). Collection method: clinical testing. Allele origin: germline.
Comment: This sequence change replaces glutamine, which is neutral and polar, with lysine, which is basic and polar, at codon 98 of the ALX4 protein (p.Gln98Lys). The frequency data for this variant in the population databases is considered unreliable, as metrics indicate poor data quality at this position in the gnomAD database. This variant has not been reported in the literature in individuals affected with ALX4-related conditions. ClinVar contains an entry for this variant (Variation ID: 3292208). An algorithm developed to predict the effect of missense changes on protein structure and function (PolyPhen-2) suggests that this variant is likely to be tolerated. In summary, the available evidence is currently insufficient to determine the role of this variant in disease. Therefore, it has been classified as a Variant of Uncertain Significance.

Ambry Genetics
Classification: Uncertain significance for Inborn genetic diseases. Last evaluated: 2024-05-20. Review status: criteria provided, single submitter. Criteria: Ambry Variant Classification Scheme 2023. Collection method: clinical testing. Allele origin: germline.